The following is an entry in ClinVar:

NM_001009944.3(PKD1):c.2156A>G (p.His719Arg)

Gene: PKD1 (polycystin 1, transient receptor potential channel interacting; minus strand). Cytogenetic location: 16p13.3.
Variant type: single nucleotide variant.
Coding change: c.2156A>G on transcript NM_001009944.3 (MANE Select); coding-DNA position 2156, A replaced by G.
Protein change: p.His719Arg; replaces histidine 719 with arginine.
Molecular consequence: missense variant.
Genome position (GRCh38, 1-based): chr16:2,114,867, T>C on the plus strand (A>G on the coding strand, the complement: PKD1 is on the minus strand). VCF-style: chr16-2114867-T-C. GRCh37 (hg19) VCF-style: chr16-2164868-T-C.
Other names: c.2156A>G, p.His719Arg (NM_000296.4); short protein forms H719R.
Identifiers: ClinVar variation 3338408 (VCV003338408.1).
Genomic context (GRCh38, chr16:2,114,867, plus strand): 5'-CGGGGACCAGGGTGGCCGGGAGCCGGCGAGCAGTGCAGGAGGGCGCCAGGGCCAGCGTCG[T>C]GCTGCAAGCCAACGAGGTCACCAGGGAGCATGAGGACATCCTGGCCGTGGAGGGTGACCT-3'
Protein context (NP_001009944.3, residues 709-729): MLPGDLVGLQ[His719Arg]DAGPGALLHC

ClinVar aggregate classification (germline): Uncertain significance (1 of 4 stars; one submission).

Conditions:
Polycystic kidney disease, adult type (PKD1). Also called: Polycystic Kidney, Autosomal Dominant; POLYCYSTIC KIDNEY DISEASE 1 WITH OR WITHOUT POLYCYSTIC LIVER DISEASE; POLYCYSTIC KIDNEY DISEASE, ADULT, TYPE I; Polycystic Kidney Disease 1, Autosomal Dominant; Polycystic kidney disease 1; Polycystic kidney disease 1, severe. Identifiers: MedGen C3149841, MONDO:0008263, OMIM 173900.

Submission:

MVZ Medizinische Genetik Mainz
Classification: Uncertain significance for Polycystic kidney disease, adult type. Last evaluated: 2024-07-12. Review status: criteria provided, single submitter. Criteria: UK Practice Guidelines For Variant Classification V4 01 2020. Collection method: clinical testing. Allele origin: germline. Inheritance: Autosomal dominant inheritance. Affected: yes. Observed: 1 variant allele.
Comment: ACMG Criteria: PM2_SUP,PP4